The following is an entry in ClinVar:

ClinVar aggregate classification (germline): Pathogenic (1 of 4 stars; one submission).

Conditions:
Hereditary hemorrhagic telangiectasia (HHT). Also called: ORW DISEASE; Osler Weber Rendu syndrome; OSLER-RENDU-WEBER DISEASE; Osler hemorrhagic telangiectasia syndrome. Identifiers: Orphanet 774, MedGen C0039445, MONDO:0019180. Disease mechanism: loss of function.

Submission:

Labcorp Genetics (formerly Invitae), Labcorp
Classification: Pathogenic for Hereditary hemorrhagic telangiectasia. Last evaluated: 2026-01-03. Review status: criteria provided, single submitter. Criteria: Invitae Variant Classification Sherloc (09022015). Collection method: clinical testing. Allele origin: germline.
Comment: This sequence change creates a premature translational stop signal (p.Lys556Argfs*17) in the ENG gene. While this is not anticipated to result in nonsense mediated decay, it is expected to disrupt the last 70 amino acid(s) of the ENG protein. This variant is not present in population databases (gnomAD no frequency). This variant has not been reported in the literature in individuals affected with ENG-related conditions. This variant disrupts a region of the ENG protein in which other variant(s) (p.Leu572*) have been determined to be pathogenic (PMID: 11440987). This suggests that this is a clinically significant region of the protein, and that variants that disrupt it are likely to be disease-causing. For these reasons, this variant has been classified as Pathogenic.

Literature cited by the submitters: PubMed 11440987.

NM_001114753.3(ENG):c.1665del (p.Lys556fs)

Genes: ENG (endoglin; minus strand), LOC102723566 (uncharacterized LOC102723566; plus strand). Cytogenetic location: 9q34.11.
Variant type: Deletion.
Coding change: c.1665del on transcript NM_001114753.3 (MANE Select); coding-DNA position 1665, one base deleted (C; older notation c.1665delC).
Protein change: p.Lys556fs; shifts the reading frame from lysine 556.
Molecular consequence: frameshift variant.
Genome position (GRCh38, 1-based): chr9:127,818,141, G deleted on the plus strand (C on the coding strand, the reverse complement: ENG is on the minus strand); the first of 3 consecutive G bases (chr9:127,818,141-127,818,143); deleting any one gives the same sequence. VCF-style (leftmost placement, unchanged base first): chr9-127818140-TG-T. GRCh37 (hg19) VCF-style: chr9-130580419-TG-T.
Other names: c.1665del, p.Lys556fs (NM_000118.4); c.1119del, p.Lys374fs (NM_001278138.2); short protein forms K374fs, K556fs.
Identifiers: ClinVar variation 4733724 (VCV004733724.1).